The following is an entry in ClinVar:

ClinVar aggregate classification (germline): Conflicting classifications of pathogenicity. Review status: criteria provided, conflicting classifications (1 of 4 stars). 6 submissions from 6 submitters: Uncertain significance (4); Likely benign (2). Last evaluated 2025-11-24.

Conditions:
Melnick-Needles syndrome (MNS). Also called: Melnick-Needles Syndrome (FLNA-MNS); MELNICK-NEEDLES OSTEODYSPLASTY; OSTEODYSPLASTY OF MELNICK AND NEEDLES. Identifiers: Orphanet 2484, MedGen C0025237, MONDO:0010650, OMIM 309350.
Heterotopia, periventricular, X-linked dominant (PVNH1). Also called: X-linked periventricular heterotopia; PERIVENTRICULAR NODULAR HETEROTOPIA 4; HETEROTOPIA, PERIVENTRICULAR, 1; PERIVENTRICULAR NODULAR HETEROTOPIA 1. Identifiers: Orphanet 2149, Orphanet 82004, MedGen C1848213, MONDO:0010233, OMIM 300049.
Frontometaphyseal dysplasia (FMD1). Identifiers: Orphanet 1826, MedGen C0265293, MONDO:0015942.
Oto-palato-digital syndrome, type II (OPD2). Also called: Otopalatodigital Syndrome, Type II; Otopalatodigital Syndrome Type 2 (FLNA-OPD2); FACIOPALATOOSSEOUS SYNDROME; OPD II SYNDROME. Identifiers: Orphanet 669, Orphanet 90652, MedGen C1844696, MONDO:0010571, OMIM 304120.
Cardiac valvular dysplasia, X-linked (CVDPX). Also called: FLNA-Related X-linked Cardiac Valvular Dysplasia; VALVULAR HEART DISEASE, CONGENITAL; Congenital valvular dysplasia; Isolated X-Linked Cardiac Valvular Dysplasia; MYXOMATOUS VALVULAR DYSTROPHY, X-LINKED. Identifiers: Orphanet 1864, Orphanet 555877, Orphanet 75497, MedGen C0262436, MONDO:0010753, OMIM 314400.
Terminal osseous dysplasia-pigmentary defects syndrome. Also called: ODPD; TERMINAL OSSEOUS DYSPLASIA AND PIGMENTARY DEFECTS; Terminal Osseous Dysplasia (FLNA-TOD); ODPF SYNDROME; OSSEOUS DYSPLASIA, DIGITAL, WITH FACIAL PIGMENTARY DEFECTS AND MULTIPLE FRENULA. Identifiers: Orphanet 88630, MedGen C1846129, MONDO:0010279, OMIM 300244.
Intestinal pseudoobstruction, neuronal, chronic idiopathic, X-linked (CIIPX). Also called: FLNA-Related Periventricular Nodular Heterotopia (FLNA-Related PVNH; Huttenlocher Syndrome); INTESTINAL PSEUDOOBSTRUCTION, NEURONAL, CHRONIC IDIOPATHIC, WITH CENTRAL NERVOUS SYSTEM INVOLVEMENT; CONGENITAL IDIOPATHIC INTESTINAL PSEUDOOBSTRUCTION. Identifiers: Orphanet 2301, MedGen C2746068, MONDO:0010232, OMIM 300048.
Oto-palato-digital syndrome, type I (OPD1). Also called: Otopalatodigital Syndrome, Type I; Taybi syndrome; Otopalatodigital Syndrome Type 1 (FLNA-OPD1); OPD I SYNDROME; OPD SYNDROME 1. Identifiers: Orphanet 669, Orphanet 90650, MedGen C0265251, MONDO:0010704, OMIM 311300.
Frontometaphyseal dysplasia 1 (FMD1). Also called: Frontometaphyseal Dysplasia (FLNA-FMD). Identifiers: Orphanet 1826, MedGen C4281559, MONDO:0024550, OMIM 305620.
FG syndrome 2 (FGS2). Identifiers: MedGen C1845902, MONDO:0010297, OMIM 300321.
Familial thoracic aortic aneurysm and aortic dissection (TAAD). Also called: Thoracic aortic aneurysms and dissections. Identifiers: Orphanet 91387, MedGen C4707243, MONDO:0019625.

Allele frequency attached by ClinVar (database versions not stated): gnomAD exomes 0.00003 and 0.00008; gnomAD 0.00004; TOPMed 0.00004; ExAC 0.00005.
gnomAD v4.1: 93 of 1,210,970 alleles (0.0077%); highest among the groups gnomAD compares: Non-Finnish European, 0.0095%; no homozygotes.

Submissions (6):

Labcorp Genetics (formerly Invitae), Labcorp
Classification: Likely benign for Oto-palato-digital syndrome, type II; Heterotopia, periventricular, X-linked dominant; Frontometaphyseal dysplasia; Melnick-Needles syndrome. Last evaluated: 2025-11-24. Review status: criteria provided, single submitter. Criteria: Invitae Variant Classification Sherloc (09022015). Collection method: clinical testing. Allele origin: germline.

Ambry Genetics
Classification: Uncertain significance for Familial thoracic aortic aneurysm and aortic dissection. Last evaluated: 2025-09-02. Review status: criteria provided, single submitter. Criteria: Ambry Variant Classification Scheme 2023. Collection method: clinical testing. Allele origin: germline.
Comment: The p.T1705M variant (also known as c.5114C>T), located in coding exon 29 of the FLNA gene, results from a C to T substitution at nucleotide position 5114. The threonine at codon 1705 is replaced by methionine, an amino acid with similar properties. Based on data from gnomAD, the T allele has an overall frequency of 0.0033% (6/181235) total alleles studied, with 2 hemizygote(s) observed. The highest observed frequency was 0.0105% (2/19056) of South Asian alleles. This amino acid position is highly conserved in available vertebrate species. In addition, this alteration is predicted to be deleterious by in silico analysis. Based on the available evidence, the clinical significance of this variant remains unclear.

Blueprint Genetics
Classification: Likely benign. Last evaluated: 2024-04-24. Review status: criteria provided, single submitter. Criteria: ACMG Guidelines, 2015. Collection method: clinical testing. Allele origin: germline.

Department of Pathology and Laboratory Medicine, Sinai Health System
Classification: Uncertain significance for Intestinal pseudoobstruction, neuronal, chronic idiopathic, X-linked; Heterotopia, periventricular, X-linked dominant; Terminal osseous dysplasia-pigmentary defects syndrome; FG syndrome 2; Oto-palato-digital syndrome, type II; Frontometaphyseal dysplasia 1; Melnick-Needles syndrome; Oto-palato-digital syndrome, type I; Cardiac valvular dysplasia, X-linked. Last evaluated: 2022-11-16. Review status: criteria provided, single submitter. Criteria: ACMG Guidelines, 2015. Collection method: research. Allele origin: germline.

Revvity Omics, Revvity
Classification: Uncertain significance. Last evaluated: 2021-08-11. Review status: criteria provided, single submitter. Criteria: ACMG Guidelines, 2015. Collection method: clinical testing. Allele origin: germline.

GeneDx
Classification: Uncertain significance. Last evaluated: 2017-10-25. Review status: criteria provided, single submitter. Criteria: GeneDx Variant Classification (06012015). Collection method: clinical testing. Allele origin: germline. Affected: yes.
Comment: A variant of uncertain significance has been identified in the FLNA gene. The T1705M variant has not been published as pathogenic or been reported as benign to our knowledge. The T1705M variant is a non-conservative amino acid substitution, which is likely to impact secondary protein structure as these residues differ in polarity, charge, size and/or other properties. This substitution occurs at a position that is conserved across species and in silico analysis predicts this variant is probably damaging to the protein structure/function. However, the T1705M variant was observed in the hemizygous state in three individuals in the Exome Aggregation Consortium (ExAc).

NM_001110556.2(FLNA):c.5138C>T (p.Thr1713Met)

Gene: FLNA (filamin A; minus strand). Cytogenetic location: Xq28.
Variant type: single nucleotide variant.
Coding change: c.5138C>T on transcript NM_001110556.2 (MANE Select); coding-DNA position 5138, C replaced by T.
Protein change: p.Thr1713Met; replaces threonine 1713 with methionine.
Molecular consequence: missense variant.
Genome position (GRCh38, 1-based): chrX:154,354,904, G>A on the plus strand (C>T on the coding strand, the complement: FLNA is on the minus strand). VCF-style: chrX-154354904-G-A. GRCh37 (hg19) VCF-style: chrX-153583272-G-A.
Other names: c.5114C>T, p.Thr1705Met (NM_001456.4); short protein forms T1705M, T1713M.
Identifiers: ClinVar variation 449178 (VCV000449178.18), dbSNP rs782555986, ClinGen allele CA10560384.
Genomic context (GRCh38, chrX:154,354,904, plus strand): 5'-TTGGGCACGTGCTCGCCACCAAAGCGCACACAGATGACGTATTTGCCCGGCTGGGGGGCC[G>A]TGTAGAAGATGTCGAAAGTGCCGTCCTCATTCTCCACCACGTCCACATCCACCTCTGAGC-3'
Protein context (NP_001104026.1, residues 1703-1723): NEDGTFDIFY[Thr1713Met]APQPGKYVIC